The following is an entry in ClinVar:

ClinVar aggregate classification (germline): Uncertain significance (1 of 4 stars; one submission).

Allele frequency attached by ClinVar (database versions not stated): gnomAD exomes below 0.00001; TOPMed 0.00001; gnomAD 0.00002.
gnomAD v4.1: 11 of 1,613,206 alleles (0.00068%); highest among the groups gnomAD compares: Admixed American, 0.0033%; no homozygotes.

Submission:

Labcorp Genetics (formerly Invitae), Labcorp
Classification: Uncertain significance. Last evaluated: 2024-09-13. Review status: criteria provided, single submitter. Criteria: Invitae Variant Classification Sherloc (09022015). Collection method: clinical testing. Allele origin: germline.
Comment: This sequence change replaces threonine, which is neutral and polar, with methionine, which is neutral and non-polar, at codon 913 of the AP3D1 protein (p.Thr913Met). This variant is present in population databases (no rsID available, gnomAD 0.003%). This variant has not been reported in the literature in individuals affected with AP3D1-related conditions. ClinVar contains an entry for this variant (Variation ID: 1379770). An algorithm developed to predict the effect of missense changes on protein structure and function (PolyPhen-2) suggests that this variant is likely to be tolerated. In summary, the available evidence is currently insufficient to determine the role of this variant in disease. Therefore, it has been classified as a Variant of Uncertain Significance.

NM_001261826.3(AP3D1):c.2738C>T (p.Thr913Met)

Gene: AP3D1 (adaptor related protein complex 3 subunit delta 1; minus strand). Cytogenetic location: 19p13.3.
Variant type: single nucleotide variant.
Coding change: c.2738C>T on transcript NM_001261826.3 (MANE Select); coding-DNA position 2738, C replaced by T.
Protein change: p.Thr913Met; replaces threonine 913 with methionine.
Molecular consequence: missense variant. On other transcripts: intron variant (1).
Genome position (GRCh38, 1-based): chr19:2,112,909, G>A on the plus strand (C>T on the coding strand, the complement: AP3D1 is on the minus strand). VCF-style: chr19-2112909-G-A. GRCh37 (hg19) VCF-style: chr19-2112908-G-A.
Other names: c.2702C>T, p.Thr901Met (NM_001374799.1); c.2602-1081C>T (NM_003938.8); short protein forms T913M, T901M.
Identifiers: ClinVar variation 1379770 (VCV001379770.6), dbSNP rs1387464103, ClinGen allele CA403206036.